The following is an entry in ClinVar:

ClinVar aggregate classification (germline): Benign. Review status: criteria provided, multiple submitters, no conflicts (2 of 4 stars). 8 submissions from 8 submitters: Benign (6). 2 of the submissions do not count toward it. Last evaluated 2026-09-01.

Conditions:
Mitochondrial complex V (ATP synthase) deficiency, nuclear type 2. Also called: MITOCHONDRIAL COMPLEX V (ATP SYNTHASE) DEFICIENCY, TMEM70 TYPE; ENCEPHALOCARDIOMYOPATHY, MITOCHONDRIAL, NEONATAL, DUE TO ATP SYNTHASE DEFICIENCY; Nuclear-Encoded ATPase Deficiency, TMEM70-Related. Identifiers: Orphanet 1194, MedGen C3279699, MONDO:0013546, OMIM 614052.

Allele frequency attached by ClinVar (database versions not stated): 1000 Genomes Project 0.02276; ExAC 0.02350; gnomAD exomes 0.02350 and 0.02021; ESP Exome Variant Server 0.01753; TOPMed 0.01791; gnomAD 0.02073 and 0.02112; 1000 Genomes Project 30x 0.02186.
gnomAD v4.1: 32,744 of 1,613,674 alleles (2%); highest among the groups gnomAD compares: South Asian, 3.7%; 463 homozygotes.

Submissions (8):

CeGaT Center for Human Genetics Tuebingen
Classification: Benign. Last evaluated: 2026-09-01. Review status: criteria provided, single submitter. Criteria: CeGaT Center For Human Genetics Tuebingen Variant Classification Criteria Version 2. Collection method: clinical testing. Allele origin: germline. Affected: yes. Observed: 35 variant alleles.
Comment: TMEM70: BP4, BS1, BS2

Labcorp Genetics (formerly Invitae), Labcorp
Classification: Benign for Mitochondrial complex V (ATP synthase) deficiency, nuclear type 2. Last evaluated: 2026-02-04. Review status: criteria provided, single submitter. Criteria: Invitae Variant Classification Sherloc (09022015). Collection method: clinical testing. Allele origin: germline.

Blueprint Genetics
Classification: Benign. Last evaluated: 2024-11-27. Review status: criteria provided, single submitter. Criteria: ACMG Guidelines, 2015. Collection method: clinical testing. Allele origin: germline.

Illumina Laboratory Services, Illumina
Classification: Benign for Mitochondrial complex V (ATP synthase) deficiency, nuclear type 2. Last evaluated: 2018-01-13. Review status: criteria provided, single submitter. Criteria: ICSL Variant Classification Criteria 13 December 2019. Collection method: clinical testing. Allele origin: germline.
Comment: This variant was observed in the ICSL laboratory as part of a predisposition screen in an ostensibly healthy population. It had not been previously curated by ICSL or reported in the Human Gene Mutation Database (HGMD: prior to June 1st, 2018), and was therefore a candidate for classification through an automated scoring system. Utilizing variant allele frequency, disease prevalence and penetrance estimates, and inheritance mode, an automated score was calculated to assess if this variant is too frequent to cause the disease. Based on the score and internal cut-off values, a variant classified as benign is not then subjected to further curation. The score for this variant resulted in a classification of benign for this disease.

GeneDx
Classification: Benign. Last evaluated: 2012-09-10. Review status: criteria provided, single submitter. Criteria: GeneDx Variant Classification (06012015). Collection method: clinical testing. Allele origin: germline. Affected: yes.
Comment: This variant is considered likely benign or benign based on one or more of the following criteria: it is a conservative change, it occurs at a poorly conserved position in the protein, it is predicted to be benign by multiple in silico algorithms, and/or has population frequency not consistent with disease.

Breakthrough Genomics
Classification: Benign. Review status: criteria provided, single submitter. Criteria: ACMG Guidelines, 2015. Collection method: not provided. Allele origin: germline. Inheritance: Autosomal recessive inheritance. Affected: yes.

Mayo Clinic Laboratories, Mayo Clinic
Classification: Likely benign. Last evaluated: 2016-02-25. Review status: no assertion criteria provided. Collection method: clinical testing. Allele origin: unknown. Not counted in ClinVar's aggregate classification.

Genetic Services Laboratory, University of Chicago
Classification: Likely benign for AllHighlyPenetrant. Review status: no assertion criteria provided. Collection method: clinical testing. Allele origin: germline. Inheritance: Autosomal recessive inheritance. Not counted in ClinVar's aggregate classification.
Comment: Likely benign based on allele frequency in 1000 Genomes Project or ESP global frequency and its presence in a patient with a rare or unrelated disease phenotype. NOT Sanger confirmed.

NM_017866.6(TMEM70):c.346C>G (p.Leu116Val)

Gene: TMEM70 (transmembrane protein 70; plus strand). Cytogenetic location: 8q21.11.
Variant type: single nucleotide variant.
Coding change: c.346C>G on transcript NM_017866.6 (MANE Select); coding-DNA position 346, C replaced by G.
Protein change: p.Leu116Val; replaces leucine 116 with valine.
Molecular consequence: missense variant. On other transcripts: 3 prime UTR variant (1), non-coding transcript variant (1).
Genome position (GRCh38, 1-based): chr8:73,981,184, C>G. VCF-style: chr8-73981184-C-G. GRCh37 (hg19) VCF-style: chr8-74893419-C-G.
Other names: p.L116V:CTG>GTG; c.*36C>G (NM_001040613.3); short protein forms L116V.
Identifiers: ClinVar variation 130599 (VCV000130599.47), dbSNP rs61732273, ClinGen allele CA289072.
Genomic context (GRCh38, chr8:73,981,184, plus strand): 5'-TATTGATCCTCTCTCTTTTTTTCCCATTTAGGTGTGAAATGTTTCTCTTATTCTACGAGT[C>G]TGATTGGCCTTACATTTCTGCCATACATTTTTACACAAAATAATGCTATTTCTGAAAGTG-3'
Protein context (NP_060336.3, residues 106-126): GVKCFSYSTS[Leu116Val]IGLTFLPYIF